The following is an entry in ClinVar:

ClinVar aggregate classification (germline): Uncertain significance. Review status: criteria provided, multiple submitters, no conflicts (2 of 4 stars). 2 submissions from 2 submitters: Uncertain significance (2). Last evaluated 2025-04-14.

Conditions:
Lymphatic malformation 6 (LMPHM6). Also called: GENERALIZED LYMPHATIC DYSPLASIA OF FOTIOU; Lymphedema, hereditary, III; PIEZO1-related generalized lymphatic dysplasia with non-immune hydrops fetalis. Identifiers: Orphanet 568062, MedGen C4225184, MONDO:0014797, OMIM 616843.

Allele frequency attached by ClinVar (database versions not stated): TOPMed 0.00002; gnomAD exomes 0.00004; gnomAD 0.00001; ExAC 0.00006.
gnomAD v4.1: 61 of 1,548,376 alleles (0.0039%); highest among the groups gnomAD compares: Non-Finnish European, 0.0046%; no homozygotes.

Submissions (2):

Clinical Genomics Laboratory, Washington University in St. Louis
Classification: Uncertain significance for Lymphatic malformation 6. Last evaluated: 2025-04-14. Review status: criteria provided, single submitter. Criteria: ACMG Guidelines, 2015. Collection method: clinical testing. Allele origin: germline.
Comment: A PIEZO1 c.1531T>G (p.Tyr511Asp) variant was identified at a near heterozygous allelic fraction of 48.9%, a frequency which may be consistent with germline origin. This variant, to our knowledge, has not been reported in the medical literature but has been reported in the ClinVar database as a germline variant of uncertain significance by one submitter (ClinVar variation ID: 2434770). It is only observed on 61/1,548,376 alleles in the general population (gnomAD v4.1.0), indicating it is not a common variant. Computational predictors are uncertain as to the impact of this variant on PIEZO1 function. Due to limited information, and based on ACMG/AMP guidelines for variant interpretation (Richards S et al., PMID: 25741868), the clinical significance of this variant is uncertain at this time.

Revvity Omics, Revvity
Classification: Uncertain significance. Last evaluated: 2024-08-23. Review status: criteria provided, single submitter. Criteria: ACMG Guidelines, 2015. Collection method: clinical testing. Allele origin: germline.

NM_001142864.4(PIEZO1):c.1531T>G (p.Tyr511Asp)

Genes: HSALR1 (HSP90AB1 associated lncRNA 1; plus strand), PIEZO1 (piezo type mechanosensitive ion channel component 1 (Er blood group); minus strand). Cytogenetic location: 16q24.3.
Variant type: single nucleotide variant.
Coding change: c.1531T>G on transcript NM_001142864.4 (MANE Select); coding-DNA position 1531, T replaced by G.
Protein change: p.Tyr511Asp; replaces tyrosine 511 with aspartic acid.
Molecular consequence: missense variant.
Genome position (GRCh38, 1-based): chr16:88,736,174, A>C on the plus strand (T>G on the coding strand, the complement: PIEZO1 is on the minus strand). VCF-style: chr16-88736174-A-C. GRCh37 (hg19) VCF-style: chr16-88802582-A-C.
Other names: c.76T>G, p.Tyr26Asp (NM_014745.1); short protein forms Y26D, Y511D.
Identifiers: ClinVar variation 2434770 (VCV002434770.4), dbSNP rs764371606, ClinGen allele CA8232984.
Genomic context (GRCh38, chr16:88,736,174, plus strand): 5'-CCAGGCACCCCCGGATGTGGTGGTGCACACTCACCATGGCACCAAGGTCCAGACAGGGGT[A>C]GCGGGTGTGCTCCAGCCCCAGCTGGCGCAGGCTGACGGGGCCCAGGGTGGTGGGCAGCTC-3'
Protein context (NP_001136336.2, residues 501-521): LRQLGLEHTR[Tyr511Asp]PCLDLGAMLL